The following is an entry in ClinVar:

NM_133510.4(RAD51B):c.541C>T (p.Arg181Trp)

Gene: RAD51B (RAD51 paralog B; plus strand). Cytogenetic location: 14q24.1.
Variant type: single nucleotide variant.
Coding change: c.541C>T on transcript NM_133510.4 (MANE Select); coding-DNA position 541, C replaced by T.
Protein change: p.Arg181Trp; replaces arginine 181 with tryptophan.
Molecular consequence: missense variant.
Genome position (GRCh38, 1-based): chr14:67,885,957, C>T. VCF-style: chr14-67885957-C-T. GRCh37 (hg19) VCF-style: chr14-68352674-C-T.
Other names: c.541C>T, p.Arg181Trp (NM_001321809.2, NM_001321810.2, NM_001321812.1 and 6 more transcripts); c.427C>T, p.Arg143Trp (NM_001321815.1); c.184C>T, p.Arg62Trp (NM_001321817.2); c.541C>T (NM_133510.3); short protein forms R143W, R181W, R62W.
Identifiers: ClinVar variation 3031670 (VCV003031670.3), dbSNP rs199981178, ClinGen allele CA7241120.

ClinVar aggregate classification (germline): Uncertain significance. Review status: criteria provided, single submitter (1 of 4 stars). 2 submissions from 2 submitters: Uncertain significance (1). 1 of the submissions does not count toward it. Last evaluated 2024-07-30.

Conditions:
RAD51B-related disorder. Also called: RAD51B-related condition.

Allele frequency attached by ClinVar (database versions not stated): ESP Exome Variant Server 0.00008; 1000 Genomes Project 30x 0.00047; 1000 Genomes Project 0.00060; ExAC 0.00099.
gnomAD v4.1: 853 of 1,605,202 alleles (0.053%); highest among the groups gnomAD compares: South Asian, 0.0044%; 6 homozygotes.

Submissions (2):

Ambry Genetics
Classification: Uncertain significance. Last evaluated: 2024-07-30. Review status: criteria provided, single submitter. Criteria: Ambry Variant Classification Scheme 2023. Collection method: clinical testing. Allele origin: germline.
Comment: The p.R181W variant (also known as c.541C>T), located in coding exon 5 of the RAD51B gene, results from a C to T substitution at nucleotide position 541. The arginine at codon 181 is replaced by tryptophan, an amino acid with dissimilar properties. This amino acid position is well conserved in available vertebrate species. In addition, the in silico prediction for this alteration is inconclusive. The evidence for this gene-disease relationship is limited; therefore, the clinical significance of this alteration is unclear.

PreventionGenetics, part of Exact Sciences
Classification: Likely benign for RAD51B-related condition. Last evaluated: 2020-10-20. Review status: no assertion criteria provided. Collection method: clinical testing. Allele origin: germline. Not counted in ClinVar's aggregate classification.
Comment: This variant is classified as likely benign based on ACMG/AMP sequence variant interpretation guidelines (Richards et al. 2015 PMID: 25741868, with internal and published modifications).